The following is an entry in ClinVar:

NM_005687.5(FARSB):c.67G>A (p.Glu23Lys)

Gene: FARSB (phenylalanyl-tRNA synthetase subunit beta; minus strand). Cytogenetic location: 2q36.1.
Variant type: single nucleotide variant.
Coding change: c.67G>A on transcript NM_005687.5 (MANE Select); coding-DNA position 67, G replaced by A.
Protein change: p.Glu23Lys; replaces glutamic acid 23 with lysine.
Molecular consequence: missense variant. On other transcripts: non-coding transcript variant (1).
Genome position (GRCh38, 1-based): chr2:222,648,787, C>T on the plus strand (G>A on the coding strand, the complement: FARSB is on the minus strand). VCF-style: chr2-222648787-C-T. GRCh37 (hg19) VCF-style: chr2-223513506-C-T.
Other names: short protein forms E23K.
Identifiers: ClinVar variation 1932377 (VCV001932377.5), dbSNP rs768183419, ClinGen allele CA2136766.

ClinVar aggregate classification (germline): Uncertain significance (1 of 4 stars; one submission).

Allele frequency attached by ClinVar (database versions not stated): ExAC 0.00001; gnomAD exomes 0.00001.
gnomAD v4.1: 8 of 1,601,142 alleles (0.0005%); highest among the groups gnomAD compares: Middle Eastern, 0.017%; no homozygotes.

Submission:

Labcorp Genetics (formerly Invitae), Labcorp
Classification: Uncertain significance. Last evaluated: 2024-08-19. Review status: criteria provided, single submitter. Criteria: Invitae Variant Classification Sherloc (09022015). Collection method: clinical testing. Allele origin: germline.
Comment: This sequence change replaces glutamic acid, which is acidic and polar, with lysine, which is basic and polar, at codon 23 of the FARSB protein (p.Glu23Lys). This variant is present in population databases (rs768183419, gnomAD 0.01%). This variant has not been reported in the literature in individuals affected with FARSB-related conditions. ClinVar contains an entry for this variant (Variation ID: 1932377). An algorithm developed to predict the effect of missense changes on protein structure and function (PolyPhen-2) suggests that this variant is likely to be tolerated. In summary, the available evidence is currently insufficient to determine the role of this variant in disease. Therefore, it has been classified as a Variant of Uncertain Significance.